The following is an entry in ClinVar:

ClinVar aggregate classification (germline): Pathogenic (1 of 4 stars; one submission).

Conditions:
GLUT1 deficiency syndrome 1, autosomal recessive. Identifiers: MedGen C3149117.

Submission:

Labcorp Genetics (formerly Invitae), Labcorp
Classification: Pathogenic for GLUT1 deficiency syndrome 1, autosomal recessive. Last evaluated: 2020-02-27. Review status: criteria provided, single submitter. Criteria: Invitae Variant Classification Sherloc (09022015). Collection method: clinical testing. Allele origin: germline.
Comment: This sequence change affects an acceptor splice site in intron 5 of the SLC2A1 gene. It is expected to disrupt RNA splicing and likely results in an absent or disrupted protein product. This variant is not present in population databases (ExAC no frequency). Disruption of this splice site has been observed in individual(s) with GLUT1 deficiency syndrome (PMID: 22814174). In at least one individual the variant was observed to be de novo. Algorithms developed to predict the effect of sequence changes on RNA splicing suggest that this variant may disrupt the consensus splice site, but this prediction has not been confirmed by published transcriptional studies. Donor and acceptor splice site variants typically lead to a loss of protein function (PMID: 16199547), and loss-of-function variants in SLC2A1 are known to be pathogenic (PMID: 21832227, 26193382). For these reasons, this variant has been classified as Pathogenic.

Literature cited by the submitters: PubMed 22814174; PubMed 16199547; PubMed 21832227; PubMed 26193382.

NM_006516.4(SLC2A1):c.680-2del

Gene: SLC2A1 (solute carrier family 2 member 1; minus strand). Cytogenetic location: 1p34.2.
Variant type: Deletion.
Coding change: c.680-2del on transcript NM_006516.4 (MANE Select); the canonical splice acceptor site of the intron before coding-DNA position 680, one base deleted (A; older notation c.680-2delA).
Molecular consequence: splice acceptor variant.
Genome position (GRCh38, 1-based): chr1:42,929,782, T deleted on the plus strand (A on the coding strand, the reverse complement: SLC2A1 is on the minus strand). VCF-style (leftmost placement, unchanged base first): chr1-42929781-CT-C. GRCh37 (hg19) VCF-style: chr1-43395452-CT-C.
Identifiers: ClinVar variation 1072747 (VCV001072747.9), dbSNP rs2124449099, ClinGen allele CA2499214721.